The following is an entry in ClinVar:

NM_003803.4(MYOM1):c.4523G>T (p.Gly1508Val)

Gene: MYOM1 (myomesin 1; minus strand). Cytogenetic location: 18p11.31.
Variant type: single nucleotide variant.
Coding change: c.4523G>T on transcript NM_003803.4 (MANE Select); coding-DNA position 4523, G replaced by T.
Protein change: p.Gly1508Val; replaces glycine 1508 with valine.
Molecular consequence: missense variant.
Genome position (GRCh38, 1-based): chr18:3,079,304, C>A on the plus strand (G>T on the coding strand, the complement: MYOM1 is on the minus strand). VCF-style: chr18-3079304-C-A. GRCh37 (hg19) VCF-style: chr18-3079302-C-A.
Other names: c.4235G>T, p.Gly1412Val (NM_019856.2); short protein forms G1508V, G1412V.
Identifiers: ClinVar variation 3705525 (VCV003705525.2).

ClinVar aggregate classification (germline): Uncertain significance (1 of 4 stars; one submission).

Conditions:
Hypertrophic cardiomyopathy. Also called: HYPERTROPHIC MYOCARDIOPATHY. Identifiers: Orphanet 217569, MedGen C0007194, MeSH D002312, MONDO:0005045, HP:0001639.

Submission:

Labcorp Genetics (formerly Invitae), Labcorp
Classification: Uncertain significance for Hypertrophic cardiomyopathy. Last evaluated: 2024-09-04. Review status: criteria provided, single submitter. Criteria: Invitae Variant Classification Sherloc (09022015). Collection method: clinical testing. Allele origin: germline.
Comment: This sequence change replaces glycine, which is neutral and non-polar, with valine, which is neutral and non-polar, at codon 1508 of the MYOM1 protein (p.Gly1508Val). This variant is present in population databases (no rsID available, gnomAD 0.01%). This variant has not been reported in the literature in individuals affected with MYOM1-related conditions. Invitae Evidence Modeling of protein sequence and biophysical properties (such as structural, functional, and spatial information, amino acid conservation, physicochemical variation, residue mobility, and thermodynamic stability) has been performed for this missense variant. However, the output from this modeling did not meet the statistical confidence thresholds required to predict the impact of this variant on MYOM1 protein function. In summary, the available evidence is currently insufficient to determine the role of this variant in disease. Therefore, it has been classified as a Variant of Uncertain Significance.